The following is an entry in ClinVar:

NM_006206.6(PDGFRA):c.497G>A (p.Gly166Glu)

Gene: PDGFRA (platelet derived growth factor receptor alpha; plus strand). Cytogenetic location: 4q12.
Variant type: single nucleotide variant.
Coding change: c.497G>A on transcript NM_006206.6 (MANE Select); coding-DNA position 497, G replaced by A.
Protein change: p.Gly166Glu; replaces glycine 166 with glutamic acid.
Molecular consequence: missense variant.
Genome position (GRCh38, 1-based): chr4:54,263,796, G>A. VCF-style: chr4-54263796-G-A. GRCh37 (hg19) VCF-style: chr4-55129963-G-A.
Other names: c.497G>A, p.Gly166Glu (NM_001347827.2, NM_001347829.2); c.572G>A, p.Gly191Glu (NM_001347828.2); c.536G>A, p.Gly179Glu (NM_001347830.2); short protein forms G166E, G191E, G179E.
Identifiers: ClinVar variation 940721 (VCV000940721.7), dbSNP rs1295802121, ClinGen allele CA356889955.

ClinVar aggregate classification (germline): Uncertain significance. Review status: criteria provided, multiple submitters, no conflicts (2 of 4 stars). 2 submissions from 2 submitters: Uncertain significance (2). Last evaluated 2025-10-08.

Conditions:
Hereditary cancer-predisposing syndrome. Also called: Hereditary neoplastic syndrome; Neoplastic Syndromes, Hereditary; Hereditary Cancer Syndrome; Tumor predisposition. Identifiers: Orphanet 140162, MedGen C0027672, MeSH D009386, MONDO:0015356.
Gastrointestinal stromal tumor. Also called: Gastrointestinal stromal tumor, somatic; Gastrointestinal stroma tumor. Identifiers: Orphanet 44890, MedGen C0238198, MeSH D046152, MONDO:0011719, OMIM 606764, HP:0100723.

Submissions (2):

Ambry Genetics
Classification: Uncertain significance for Hereditary cancer-predisposing syndrome. Last evaluated: 2025-10-08. Review status: criteria provided, single submitter. Criteria: Ambry Variant Classification Scheme 2023. Collection method: clinical testing. Allele origin: germline.
Comment: The p.G166E variant (also known as c.497G>A), located in coding exon 3 of the PDGFRA gene, results from a G to A substitution at nucleotide position 497. The glycine at codon 166 is replaced by glutamic acid, an amino acid with similar properties. This amino acid position is conserved. In addition, this alteration is predicted to be tolerated by in silico analysis. Based on the available evidence, the clinical significance of this variant remains unclear.

Labcorp Genetics (formerly Invitae), Labcorp
Classification: Uncertain significance for Gastrointestinal stromal tumor. Last evaluated: 2021-09-01. Review status: criteria provided, single submitter. Criteria: Invitae Variant Classification Sherloc (09022015). Collection method: clinical testing. Allele origin: germline.
Comment: This sequence change replaces glycine with glutamic acid at codon 166 of the PDGFRA protein (p.Gly166Glu). The glycine residue is moderately conserved and there is a moderate physicochemical difference between glycine and glutamic acid. This variant is not present in population databases (ExAC no frequency). This variant has not been reported in the literature in individuals affected with PDGFRA-related conditions. Algorithms developed to predict the effect of missense changes on protein structure and function output the following: SIFT: "Tolerated"; PolyPhen-2: "Benign"; Align-GVGD: "Class C0". The glutamic acid amino acid residue is found in multiple mammalian species, which suggests that this missense change does not adversely affect protein function. In summary, the available evidence is currently insufficient to determine the role of this variant in disease. Therefore, it has been classified as a Variant of Uncertain Significance.